The following is an entry in ClinVar:

NM_024675.4(PALB2):c.1684+1597T>C

Gene: PALB2 (partner and localizer of BRCA2; minus strand). Cytogenetic location: 16p12.2.
Variant type: single nucleotide variant.
Coding change: c.1684+1597T>C on transcript NM_024675.4 (MANE Select); 1597 bases into the intron after coding-DNA position 1684, T replaced by C.
Molecular consequence: intron variant.
Genome position (GRCh38, 1-based): chr16:23,633,265, A>G on the plus strand (T>C on the coding strand, the complement: PALB2 is on the minus strand). VCF-style: chr16-23633265-A-G. GRCh37 (hg19) VCF-style: chr16-23644586-A-G.
Identifiers: ClinVar variation 126615 (VCV000126615.3), dbSNP rs16940342, ClinGen allele CA269505.
Genomic context (GRCh38, chr16:23,633,265, plus strand): 5'-AATTATTATTTTTGGATTAATTAGTCACAGCTTATAGACCAAGTCCATGTCCAATGGTAC[A>G]GAGCAGCCTGCTACCTATTTTTGCACATAAAGTTGTTTTTTTGTTTTAGGAACTTGGCTG-3'

ClinVar aggregate classification (germline): Benign (0 of 4 stars; one submission).

Conditions:
Familial cancer of breast. Also called: BREAST CANCER, FAMILIAL; hereditary breast carcinoma; Hereditary breast cancer. Identifiers: Orphanet 227535, MedGen C0346153, MONDO:0016419, OMIM 114480. Disease mechanism: loss of function.

Allele frequency attached by ClinVar (database versions not stated): TOPMed 0.18072; gnomAD 0.18113 and 0.18229; 1000 Genomes Project 30x 0.19878; 1000 Genomes Project 0.19988.
gnomAD v4.1: 27,658 of 152,214 alleles (18%); highest among the groups gnomAD compares: African/African-American, 22%; 2,625 homozygotes.

Submission:

Leiden Open Variation Database
Classification: Benign for Familial cancer of breast. Last evaluated: 2019-05-13. Review status: no assertion criteria provided. Collection method: curation. Allele origin: germline. Affected: yes.
Comment: Curators: Marc Tischkowitz, Arleen D. Auerbach. Submitter to LOVD: Marc Tischkowitz.

Literature cited by the submitters: PubMed 18446436; PubMed 18794107.